The following is an entry in ClinVar:

ClinVar aggregate classification (germline): Likely benign (1 of 4 stars; one submission).

Allele frequency attached by ClinVar (database versions not stated): TOPMed 0.00003; ExAC 0.00004; gnomAD 0.00004; 1000 Genomes Project 30x 0.00016; 1000 Genomes Project 0.00020.

Submission:

CeGaT Center for Human Genetics Tuebingen
Classification: Likely benign. Last evaluated: 2023-12-01. Review status: criteria provided, single submitter. Criteria: CeGaT Center For Human Genetics Tuebingen Variant Classification Criteria Version 2. Collection method: clinical testing. Allele origin: germline. Affected: yes. Observed: 1 variant allele.
Comment: FDFT1: BP4, BP7

NM_004462.5(FDFT1):c.912T>C (p.Tyr304=)

Gene: FDFT1 (farnesyl-diphosphate farnesyltransferase 1). Cytogenetic location: 8p23.1.
Variant type: single nucleotide variant.
Coding change: c.912T>C on transcript NM_004462.5 (MANE Select); coding-DNA position 912, T replaced by C.
Protein change: p.Tyr304=; no amino-acid change (tyrosine 304 retained).
Molecular consequence: synonymous variant.
Genome position (GRCh38, 1-based): chr8:11,831,550, T>C. VCF-style: chr8-11831550-T-C. GRCh37 (hg19) VCF-style: chr8-11689059-T-C.
Other names: c.912T>C, p.Tyr304= (NM_001287742.2, NM_001287743.2); c.720T>C, p.Tyr240= (NM_001287744.2, NM_001287745.2, NM_001287747.2 and 2 more transcripts); c.1089T>C, p.Tyr363= (NM_001287750.2); c.657T>C, p.Tyr219= (NM_001287751.2); c.411T>C, p.Tyr137= (NM_001287756.2).
Identifiers: ClinVar variation 3026304 (VCV003026304.22), dbSNP rs573699269, ClinGen allele CA4632082.